The following is an entry in ClinVar:

NM_000726.5(CACNB4):c.1199G>A (p.Arg400His)

Gene: CACNB4 (calcium voltage-gated channel auxiliary subunit beta 4; minus strand). Cytogenetic location: 2q23.3.
Variant type: single nucleotide variant.
Coding change: c.1199G>A on transcript NM_000726.5 (MANE Select); coding-DNA position 1199, G replaced by A.
Protein change: p.Arg400His; replaces arginine 400 with histidine.
Molecular consequence: missense variant. On other transcripts: intron variant (1).
Genome position (GRCh38, 1-based): chr2:151,842,006, C>T on the plus strand (G>A on the coding strand, the complement: CACNB4 is on the minus strand). VCF-style: chr2-151842006-C-T. GRCh37 (hg19) VCF-style: chr2-152698520-C-T.
Other names: c.1145G>A, p.Arg382His (NM_001005746.4); c.1097G>A, p.Arg366His (NM_001005747.4); c.1058G>A, p.Arg353His (NM_001320722.3, NM_001330118.2); c.956G>A, p.Arg319His (NM_001330113.2); c.545G>A, p.Arg182His (NM_001330114.2); c.908G>A, p.Arg303His (NM_001330115.2); c.869G>A, p.Arg290His (NM_001330116.2); c.641G>A, p.Arg214His (NM_001330117.2); and 1 more; short protein forms R214H, R319H, R382H, R303H, R366H, R400H, R182H, R290H.
Identifiers: ClinVar variation 1345028 (VCV001345028.3), dbSNP rs376491652, ClinGen allele CA1912387.

ClinVar aggregate classification (germline): Uncertain significance (1 of 4 stars; one submission).

Conditions:
Epilepsy, idiopathic generalized, susceptibility to, 9. Identifiers: Orphanet 307, MedGen C2750887, MONDO:0011892, OMIM 607682.

Allele frequency attached by ClinVar (database versions not stated): gnomAD 0.00001 and 0.00003; ESP Exome Variant Server 0.00008; ExAC 0.00014; gnomAD exomes 0.00016; TOPMed below 0.00001.
gnomAD v4.1: 129 of 1,613,570 alleles (0.008%); highest among the groups gnomAD compares: South Asian, 0.11%; 1 homozygote.

Submission:

Ambry Genetics
Classification: Uncertain significance. Last evaluated: 2025-04-12. Review status: criteria provided, single submitter. Criteria: Ambry Variant Classification Scheme 2023. Collection method: clinical testing. Allele origin: germline.